The following is an entry in ClinVar:

NM_001040108.2(MLH3):c.3891T>G (p.Ser1297=)

Gene: MLH3 (mutL homolog 3; minus strand). Cytogenetic location: 14q24.3.
Variant type: single nucleotide variant.
Coding change: c.3891T>G on transcript NM_001040108.2 (MANE Select); coding-DNA position 3891, T replaced by G.
Protein change: p.Ser1297=; no amino-acid change (serine 1297 retained).
Molecular consequence: synonymous variant.
Genome position (GRCh38, 1-based): chr14:75,030,639, A>C on the plus strand (T>G on the coding strand, the complement: MLH3 is on the minus strand). VCF-style: chr14-75030639-A-C. GRCh37 (hg19) VCF-style: chr14-75497342-A-C.
Other names: c.3819T>G, p.Ser1273= (NM_014381.3).
Identifiers: ClinVar variation 4860157 (VCV004860157.1).
Genomic context (GRCh38, chr14:75,030,639, plus strand): 5'-CCGAAGTTCATTGGCTTCTCTTTCCACAAAACATAGTGGTACTTTTCCCACAAGGACCAG[A>C]GAATCACTAGTGTCTGGAAATACAAATTCAAGGCCCAGATCTTCCAGATTTTTGTGGTAA-3'
Protein context (NP_001035197.1, residues 1287-1307): LEFVFPDTSD[Ser1297=]LVLVGKVPLC

ClinVar aggregate classification (germline): Uncertain significance (1 of 4 stars; one submission).

Submission:

Ambry Genetics
Classification: Uncertain significance. Last evaluated: 2026-04-09. Review status: criteria provided, single submitter. Criteria: Ambry Variant Classification Scheme 2023. Collection method: clinical testing. Allele origin: germline.
Comment: The c.3891T>G variant (also known as p.S1297S), located in coding exon 8 of the MLH3 gene, results from a T to G substitution at nucleotide position 3891. This nucleotide substitution does not change the at codon 1297. This nucleotide position is not well conserved in available vertebrate species. In silico splice site analysis predicts that this alteration may result in the creation or strengthening of a novel splice acceptor site. Based on the available evidence, the clinical significance of this variant remains unclear.